The following is an entry in ClinVar:

ClinVar aggregate classification (germline): Benign/Likely benign (0 of 4 stars; one submission).

Submission:

GeneDx
Classification: Benign/Likely benign. Last evaluated: 2010-11-30. Review status: no assertion criteria provided. Collection method: clinical testing. Allele origin: not provided. Affected: yes. Observed: 3 variant alleles. Clinical features observed: Developmental delay AND/OR other significant developmental or morphological phenotypes, Global developmental delay (HP:0001263), Seizure (HP:0001250).
Comment: Likely benign (1), Benign (2)

GRCh38/hg38 Xq28(chrX:156006941-156026127)x3

Genes: IL9R (interleukin 9 receptor; plus strand), WASIR1 (WASH and IL9R antisense RNA 1; minus strand). Cytogenetic location: Xq28.
Variant type: copy number gain.
Change: copy number 3 of chrX:156,006,941-156,026,127 (19.2 kb, GRCh38 coordinates, 1-based), cytogenetic band Xq28.
Identifiers: ClinVar variation 145128 (VCV000145128.1).